The following is an entry in ClinVar:

ClinVar aggregate classification (germline): Conflicting classifications of pathogenicity. Review status: criteria provided, conflicting classifications (1 of 4 stars). 4 submissions from 3 submitters: Pathogenic (2); Uncertain significance (1). 1 of the submissions does not count toward it. Last evaluated 2025-09-08.

Conditions:
Sitosterolemia 1. Identifiers: MedGen C2749759, MONDO:0020747, OMIM 210250.
Sitosterolemia 2. Identifiers: MedGen C5231453, MONDO:0020748, OMIM 618666.
Sitosterolemia (STSL). Also called: PHYTOSTEROLEMIA. Identifiers: Orphanet 2882, MedGen C0342907, MONDO:0008863.

Submissions (4):

Labcorp Genetics (formerly Invitae), Labcorp
Classification: Pathogenic for Sitosterolemia. Last evaluated: 2025-09-08. Review status: criteria provided, single submitter. Criteria: Invitae Variant Classification Sherloc (09022015). Collection method: clinical testing. Allele origin: germline.
Comment: This sequence change creates a premature translational stop signal (p.Phe630Leufs*8) in the ABCG5 gene. While this is not anticipated to result in nonsense mediated decay, it is expected to disrupt the last 22 amino acid(s) of the ABCG5 protein. This variant is present in population databases (rs769429015, gnomAD 0.006%). This premature translational stop signal has been observed in individual(s) with sitosterolemia (PMID: 28696550). ClinVar contains an entry for this variant (Variation ID: 1684420). This variant disrupts a region of the ABCG5 protein in which other variant(s) (p.Ile639*) have been determined to be pathogenic (PMID: 30697800, 34969652). This suggests that this is a clinically significant region of the protein, and that variants that disrupt it are likely to be disease-causing. For these reasons, this variant has been classified as Pathogenic.

Mayo Clinic Laboratories, Mayo Clinic
Classification: Uncertain significance. Last evaluated: 2021-06-21. Review status: criteria provided, single submitter. Criteria: ACMG Guidelines, 2015. Collection method: clinical testing. Allele origin: germline.

ISTH-SSC Genomics in Thrombosis and Hemostasis, KU Leuven, Center for Molecular and Vascular Biology
Classification: Pathogenic for Sitosterolemia 2. Review status: criteria provided, single submitter. Criteria: ACMG Guidelines, 2015. Collection method: clinical testing. Allele origin: germline. Affected: yes. Observed: 1 compound heterozygote.
Comment: Submitted to GoldVariant by Jose María Bastida and José Rivera; Grupo Español de Alteraciones Plaquetarias Congénitas (GEAPC)

ISTH-SSC Genomics in Thrombosis and Hemostasis, KU Leuven, Center for Molecular and Vascular Biology
Classification: Pathogenic for Sitosterolemia 1. Review status: no assertion criteria provided. Collection method: research. Allele origin: germline. Affected: yes. Not counted in ClinVar's aggregate classification.
Comment: Submitted to GoldVariant by Jose María Bastida from Hospital Universitario Salamanca - IBSAL, Spain

Literature cited by the submitters: PubMed 28696550 (cited by Labcorp Genetics (formerly Invitae), Labcorp); PubMed 30697800 (cited by Labcorp Genetics (formerly Invitae), Labcorp); PubMed 34969652 (cited by Labcorp Genetics (formerly Invitae), Labcorp).

NM_022436.3(ABCG5):c.1890del (p.Phe630fs)

Genes: ABCG5 (ATP binding cassette subfamily G member 5; minus strand), DYNC2LI1 (dynein cytoplasmic 2 light intermediate chain 1; plus strand). Cytogenetic location: 2p21.
Variant type: Deletion.
Coding change: c.1890del on transcript NM_022436.3 (MANE Select); coding-DNA position 1890, one base deleted (T; older notation c.1890delT).
Protein change: p.Phe630fs; shifts the reading frame from phenylalanine 630.
Molecular consequence: frameshift variant. On other transcripts: intron variant (2).
Genome position (GRCh38, 1-based): chr2:43,813,182, A deleted on the plus strand (T on the coding strand, the reverse complement: ABCG5 is on the minus strand); the first of 3 consecutive A bases (chr2:43,813,182-43,813,184); deleting any one gives the same sequence. VCF-style (leftmost placement, unchanged base first): chr2-43813181-TA-T. GRCh37 (hg19) VCF-style: chr2-44040320-TA-T.
Other names: p.Phe630Leufs*8; c.1890delT (NM_022436.3); c.*15+2660del (NM_001348913.2, NM_001348912.2); short protein forms F630fs.
Identifiers: ClinVar variation 1684420 (VCV001684420.11), dbSNP rs769429015, ClinGen allele CA1636127.